The following is an entry in ClinVar:

ClinVar aggregate classification (germline): Benign/Likely benign. Review status: criteria provided, multiple submitters, no conflicts (2 of 4 stars). 3 submissions from 3 submitters: Benign (2); Likely benign (1). Last evaluated 2023-03-01.

Allele frequency attached by ClinVar (database versions not stated): gnomAD exomes 0.00038 and 0.00070; ExAC 0.00065; ESP Exome Variant Server 0.00077; gnomAD 0.00131 and 0.00135; TOPMed 0.00163; 1000 Genomes Project 0.00300; 1000 Genomes Project 30x 0.00359.
gnomAD v4.1: 776 of 1,609,114 alleles (0.048%); highest among the groups gnomAD compares: African/African-American, 0.36%; no homozygotes.

Submissions (3):

CeGaT Center for Human Genetics Tuebingen
Classification: Likely benign. Last evaluated: 2023-03-01. Review status: criteria provided, single submitter. Criteria: CeGaT Center For Human Genetics Tuebingen Variant Classification Criteria Version 2. Collection method: clinical testing. Allele origin: germline. Affected: yes. Observed: 1 variant allele.
Comment: UBR4: BP4, BS1

Labcorp Genetics (formerly Invitae), Labcorp
Classification: Benign. Last evaluated: 2019-12-31. Review status: criteria provided, single submitter. Criteria: Invitae Variant Classification Sherloc (09022015). Collection method: clinical testing. Allele origin: germline.

Breakthrough Genomics
Classification: Benign. Review status: criteria provided, single submitter. Criteria: ACMG Guidelines, 2015. Collection method: not provided. Allele origin: germline. Inheritance: Unknown mechanism. Affected: yes.

NM_020765.3(UBR4):c.7650A>G (p.Lys2550=)

Gene: UBR4 (ubiquitin protein ligase E3 component n-recognin 4; minus strand). Cytogenetic location: 1p36.13.
Variant type: single nucleotide variant.
Coding change: c.7650A>G on transcript NM_020765.3 (MANE Select); coding-DNA position 7650, A replaced by G.
Protein change: p.Lys2550=; no amino-acid change (lysine 2550 retained).
Molecular consequence: synonymous variant.
Genome position (GRCh38, 1-based): chr1:19,146,980, T>C on the plus strand (A>G on the coding strand, the complement: UBR4 is on the minus strand). VCF-style: chr1-19146980-T-C. GRCh37 (hg19) VCF-style: chr1-19473474-T-C.
Identifiers: ClinVar variation 723644 (VCV000723644.29), dbSNP rs141196581, ClinGen allele CA649969.